The following is an entry in ClinVar:

ClinVar aggregate classification (germline): Uncertain significance (1 of 4 stars; one submission).

Conditions:
Neuronal ceroid lipofuscinosis. Also called: Neuronal Ceroid Lipofuscinoses. Identifiers: Orphanet 216, Orphanet 79263, MedGen C0027877, MONDO:0016295. Disease mechanism: loss of function.

Submission:

Labcorp Genetics (formerly Invitae), Labcorp
Classification: Uncertain significance for Neuronal ceroid lipofuscinosis. Last evaluated: 2022-02-08. Review status: criteria provided, single submitter. Criteria: Invitae Variant Classification Sherloc (09022015). Collection method: clinical testing. Allele origin: germline.
Comment: This sequence change falls in intron 7 of the CTSD gene. It does not directly change the encoded amino acid sequence of the CTSD protein. It affects a nucleotide within the consensus splice site. This variant is not present in population databases (gnomAD no frequency). This variant has not been reported in the literature in individuals affected with CTSD-related conditions. Variants that disrupt the consensus splice site are a relatively common cause of aberrant splicing (PMID: 17576681, 9536098). Algorithms developed to predict the effect of sequence changes on RNA splicing suggest that this variant may disrupt the consensus splice site. In summary, the available evidence is currently insufficient to determine the role of this variant in disease. Therefore, it has been classified as a Variant of Uncertain Significance.

Literature cited by the submitters: PubMed 17576681; PubMed 9536098.

NM_001909.5(CTSD):c.972+4A>G

Gene: CTSD (cathepsin D; minus strand). Cytogenetic location: 11p15.5.
Variant type: single nucleotide variant.
Coding change: c.972+4A>G on transcript NM_001909.5 (MANE Select); 4 bases into the intron after coding-DNA position 972, A replaced by G.
Molecular consequence: intron variant.
Genome position (GRCh38, 1-based): chr11:1,753,990, T>C on the plus strand (A>G on the coding strand, the complement: CTSD is on the minus strand). VCF-style: chr11-1753990-T-C. GRCh37 (hg19) VCF-style: chr11-1775220-T-C.
Identifiers: ClinVar variation 1365280 (VCV001365280.6), dbSNP rs2133657784, ClinGen allele CA2573146019.